The following is an entry in ClinVar:

ClinVar aggregate classification (germline): Benign (1 of 4 stars; one submission).

Conditions:
Familial cancer of breast. Also called: hereditary breast carcinoma; BREAST CANCER, FAMILIAL; Hereditary breast cancer. Identifiers: Orphanet 227535, MedGen C0346153, MONDO:0016419, OMIM 114480. Disease mechanism: loss of function.

Submission:

Myriad Genetics, Inc.
Classification: Benign for Familial cancer of breast. Last evaluated: 2024-06-05. Review status: criteria provided, single submitter. Criteria: Myriad Autosomal Dominant, Autosomal Recessive and X-Linked Classification Criteria (2023). Collection method: clinical testing. Allele origin: unknown.
Comment: This variant is considered benign. This variant is a silent/synonymous amino acid change and it is not expected to impact splicing.

NM_000051.4(ATM):c.6241T>C (p.Leu2081=)

Genes: ATM (ATM serine/threonine kinase; plus strand), C11orf65 (chromosome 11 open reading frame 65; minus strand). Cytogenetic location: 11q22.3.
Variant type: single nucleotide variant.
Coding change: c.6241T>C on transcript NM_000051.4 (MANE Select); coding-DNA position 6241, T replaced by C.
Protein change: p.Leu2081=; no amino-acid change (leucine 2081 retained).
Molecular consequence: synonymous variant. On other transcripts: intron variant (2).
Genome position (GRCh38, 1-based): chr11:108,317,415, T>C. VCF-style: chr11-108317415-T-C. GRCh37 (hg19) VCF-style: chr11-108188142-T-C.
Other names: c.6241T>C, p.Leu2081= (NM_001351834.2); c.641-8344A>G (NM_001330368.2); c.*39-8344A>G (NM_001351110.2).
Identifiers: ClinVar variation 3253775 (VCV003253775.1), dbSNP rs2547114264.